The following is an entry in ClinVar:

ClinVar aggregate classification (germline): Uncertain significance (1 of 4 stars; one submission).

Submission:

Labcorp Genetics (formerly Invitae), Labcorp
Classification: Uncertain significance. Last evaluated: 2022-08-02. Review status: criteria provided, single submitter. Criteria: Invitae Variant Classification Sherloc (09022015). Collection method: clinical testing. Allele origin: germline.
Comment: This sequence change replaces serine, which is neutral and polar, with phenylalanine, which is neutral and non-polar, at codon 1751 of the ANK3 protein (p.Ser1751Phe). In summary, the available evidence is currently insufficient to determine the role of this variant in disease. Therefore, it has been classified as a Variant of Uncertain Significance. Algorithms developed to predict the effect of missense changes on protein structure and function are either unavailable or do not agree on the potential impact of this missense change (SIFT: "Not Available"; PolyPhen-2: "Benign"; Align-GVGD: "Not Available"). This variant has not been reported in the literature in individuals affected with ANK3-related conditions. This variant is not present in population databases (gnomAD no frequency).

NM_020987.5(ANK3):c.5252C>T (p.Ser1751Phe)

Gene: ANK3 (ankyrin 3; minus strand). Cytogenetic location: 10q21.2.
Variant type: single nucleotide variant.
Coding change: c.5252C>T on transcript NM_020987.5 (MANE Select); coding-DNA position 5252, C replaced by T.
Protein change: p.Ser1751Phe; replaces serine 1751 with phenylalanine.
Molecular consequence: missense variant. On other transcripts: intron variant (4).
Genome position (GRCh38, 1-based): chr10:60,075,629, G>A on the plus strand (C>T on the coding strand, the complement: ANK3 is on the minus strand). VCF-style: chr10-60075629-G-A. GRCh37 (hg19) VCF-style: chr10-61835387-G-A.
Other names: c.4387+4908C>T (NM_001204403.2); c.4408+4908C>T (NM_001204404.2); c.4405+4908C>T (NM_001320874.2); c.1807+4908C>T (NM_001149.4); short protein forms S1751F.
Identifiers: ClinVar variation 1714799 (VCV001714799.5), dbSNP rs769637500, ClinGen allele CA207325708.